The following is an entry in ClinVar:

NM_018124.4(RFWD3):c.1999C>G (p.Leu667Val)

Gene: RFWD3 (ring finger and WD repeat domain 3; minus strand). Cytogenetic location: 16q23.1.
Variant type: single nucleotide variant.
Coding change: c.1999C>G on transcript NM_018124.4 (MANE Select); coding-DNA position 1999, C replaced by G.
Protein change: p.Leu667Val; replaces leucine 667 with valine.
Molecular consequence: missense variant.
Genome position (GRCh38, 1-based): chr16:74,626,525, G>C on the plus strand (C>G on the coding strand, the complement: RFWD3 is on the minus strand). VCF-style: chr16-74626525-G-C. GRCh37 (hg19) VCF-style: chr16-74660423-G-C.
Other names: c.1999C>G, p.Leu667Val (NM_001370534.1, NM_001370535.1); c.1822C>G, p.Leu608Val (NM_001370536.1); c.1165C>G, p.Leu389Val (NM_001370537.1, NM_001370539.1, NM_001370540.1 and 2 more transcripts); short protein forms L389V, L608V, L667V.
Identifiers: ClinVar variation 3624383 (VCV003624383.2).
Genomic context (GRCh38, chr16:74,626,525, plus strand): 5'-CAGGCTGGCAGGAGCAGATTGGATTTCCAGTGTCATCCAGTCGGTAGGACATTTCCATCA[G>C]CACACTTCGTATGGTGGTGTGATTTTTATCTATGGGACAGAGAAATCAGTGCTGCACCAT-3'
Protein context (NP_060594.3, residues 657-677): DKNHTTIRSV[Leu667Val]MEMSYRLDDT

ClinVar aggregate classification (germline): Uncertain significance (1 of 4 stars; one submission).

gnomAD v4.1: 4 of 1,613,916 alleles (0.00025%); highest among the groups gnomAD compares: Non-Finnish European, 0.00034%; no homozygotes.

Submission:

Labcorp Genetics (formerly Invitae), Labcorp
Classification: Uncertain significance. Last evaluated: 2024-11-12. Review status: criteria provided, single submitter. Criteria: Invitae Variant Classification Sherloc (09022015). Collection method: clinical testing. Allele origin: germline.
Comment: This sequence change replaces leucine, which is neutral and non-polar, with valine, which is neutral and non-polar, at codon 667 of the RFWD3 protein (p.Leu667Val). This variant is present in population databases (rs764903046, gnomAD 0.002%). This variant has not been reported in the literature in individuals affected with RFWD3-related conditions. An algorithm developed to predict the effect of missense changes on protein structure and function (PolyPhen-2) suggests that this variant is likely to be disruptive. In summary, the available evidence is currently insufficient to determine the role of this variant in disease. Therefore, it has been classified as a Variant of Uncertain Significance.